The following is an entry in ClinVar:

NM_000334.4(SCN4A):c.3238A>G (p.Met1080Val)

Genes: SCN4A (sodium voltage-gated channel alpha subunit 4; minus strand), GH-LCR (growth hormone locus control region; plus strand). Cytogenetic location: 17q23.3.
Variant type: single nucleotide variant.
Coding change: c.3238A>G on transcript NM_000334.4 (MANE Select); coding-DNA position 3238, A replaced by G.
Protein change: p.Met1080Val; replaces methionine 1080 with valine.
Molecular consequence: missense variant.
Genome position (GRCh38, 1-based): chr17:63,947,970, T>C on the plus strand (A>G on the coding strand, the complement: SCN4A is on the minus strand). VCF-style: chr17-63947970-T-C. GRCh37 (hg19) VCF-style: chr17-62025330-T-C.
Other names: short protein forms M1080V.
Identifiers: ClinVar variation 661313 (VCV000661313.10), dbSNP rs201152347, ClinGen allele CA8709339.

ClinVar aggregate classification (germline): Uncertain significance. Review status: criteria provided, multiple submitters, no conflicts (2 of 4 stars). 2 submissions from 2 submitters: Uncertain significance (2). Last evaluated 2024-04-26.

Conditions:
Potassium-aggravated myotonia. Also called: MYOTONIA CONGENITA, ACETAZOLAMIDE-RESPONSIVE; MYOTONIA CONGENITA, ATYPICAL; SODIUM CHANNEL MUSCLE DISEASE; Myotonia congenita, atypical, acetazolamide-responsive. Identifiers: Orphanet 612, Orphanet 99734, Orphanet 99735, Orphanet 99736, MedGen C2931826, MONDO:0018959, OMIM 608390.
Hypokalemic periodic paralysis, type 2 (HOKPP2). Identifiers: Orphanet 681, MedGen C2750061, MONDO:0013234, OMIM 613345.
Paramyotonia congenita of Von Eulenburg. Also called: PARALYSIS PERIODICA PARAMYOTONICA; Paramyotonia Congenita; Eulenburg disease; Myotonia congenita intermittens; Von Eulenburg paramyotonia congenita. Identifiers: Orphanet 684, MedGen C0221055, MONDO:0008195, OMIM 168300. Disease mechanism: loss of function.
Hyperkalemic periodic paralysis. Also called: Familial hyperkalemic periodic paralysis; Gamstorp disease. Identifiers: Orphanet 682, MedGen C0238357, MONDO:0008224, OMIM 170500, HP:0007215.
Congenital myasthenic syndrome 16. Identifiers: Orphanet 590, MedGen C3280112, MONDO:0013620, OMIM 614198.
Congenital myopathy 22A, classic (CMYO22A). Identifiers: MedGen C5830453, MONDO:0957247, OMIM 620351.
Congenital myopathy 22B, severe fetal (CMYO22B). Identifiers: MedGen C5830501, MONDO:0957265, OMIM 620369.

Allele frequency attached by ClinVar (database versions not stated): ExAC 0.00002; gnomAD 0.00002 and 0.00001; TOPMed 0.00006; 1000 Genomes Project 30x 0.00016; gnomAD exomes 0.00002; 1000 Genomes Project 0.00020.

Submissions (2):

Fulgent Genetics
Classification: Uncertain significance for Paramyotonia congenita of Von Eulenburg; Hyperkalemic periodic paralysis; Potassium-aggravated myotonia; Hypokalemic periodic paralysis, type 2; Congenital myasthenic syndrome 16; Congenital myopathy 22A, classic; Congenital myopathy 22B, severe fetal. Last evaluated: 2024-04-26. Review status: criteria provided, single submitter. Criteria: ACMG Guidelines, 2015. Collection method: clinical testing. Allele origin: germline.

Labcorp Genetics (formerly Invitae), Labcorp
Classification: Uncertain significance for Hyperkalemic periodic paralysis. Last evaluated: 2023-11-24. Review status: criteria provided, single submitter. Criteria: Invitae Variant Classification Sherloc (09022015). Collection method: clinical testing. Allele origin: germline.
Comment: This sequence change replaces methionine, which is neutral and non-polar, with valine, which is neutral and non-polar, at codon 1080 of the SCN4A protein (p.Met1080Val). This variant is present in population databases (rs201152347, gnomAD 0.02%). This missense change has been observed in individual(s) with SCN4A-related conditions (PMID: 31492720). ClinVar contains an entry for this variant (Variation ID: 661313). Advanced modeling of protein sequence and biophysical properties (such as structural, functional, and spatial information, amino acid conservation, physicochemical variation, residue mobility, and thermodynamic stability) performed at Invitae indicates that this missense variant is expected to disrupt SCN4A protein function with a positive predictive value of 95%. In summary, the available evidence is currently insufficient to determine the role of this variant in disease. Therefore, it has been classified as a Variant of Uncertain Significance.

Literature cited by the submitters: PubMed 31492720 (cited by Labcorp Genetics (formerly Invitae), Labcorp).